The following is an entry in ClinVar:

ClinVar aggregate classification (germline): Uncertain significance (1 of 4 stars; one submission).

Conditions:
Juvenile polyposis syndrome (JPS). Identifiers: Orphanet 2929, MedGen C0345893, MONDO:0017380, OMIM 174900.

Submission:

Labcorp Genetics (formerly Invitae), Labcorp
Classification: Uncertain significance for Juvenile polyposis syndrome. Last evaluated: 2020-01-13. Review status: criteria provided, single submitter. Criteria: Invitae Variant Classification Sherloc (09022015). Collection method: clinical testing. Allele origin: germline.
Comment: In summary, the available evidence is currently insufficient to determine the role of this variant in disease. Therefore, it has been classified as a Variant of Uncertain Significance. Algorithms developed to predict the effect of missense changes on protein structure and function are either unavailable or do not agree on the potential impact of this missense change (SIFT: "Deleterious"; PolyPhen-2: "Probably Damaging"; Align-GVGD: "Class C0"). This variant has not been reported in the literature in individuals with BMPR1A-related conditions. This variant is not present in population databases (ExAC no frequency). This sequence change replaces glycine with glutamic acid at codon 92 of the BMPR1A protein (p.Gly92Glu). The glycine residue is highly conserved and there is a moderate physicochemical difference between glycine and glutamic acid.

NM_004329.3(BMPR1A):c.275G>A (p.Gly92Glu)

Gene: BMPR1A (bone morphogenetic protein receptor type 1A; plus strand). Cytogenetic location: 10q23.2.
Variant type: single nucleotide variant.
Coding change: c.275G>A on transcript NM_004329.3 (MANE Select); coding-DNA position 275, G replaced by A.
Protein change: p.Gly92Glu; replaces glycine 92 with glutamic acid.
Molecular consequence: missense variant.
Genome position (GRCh38, 1-based): chr10:86,892,171, G>A. VCF-style: chr10-86892171-G-A. GRCh37 (hg19) VCF-style: chr10-88651928-G-A.
Other names: short protein forms G92E.
Identifiers: ClinVar variation 1046261 (VCV001046261.10), dbSNP rs1843160891, ClinGen allele CA377448094.
Genomic context (GRCh38, chr10:86,892,171, plus strand): 5'-TTTTTTTCTGTTTTAGAACTAATGGACATTGCTTTGCCATCATAGAAGAAGATGACCAGG[G>A]AGAAACCACATTAGCTTCAGGGTGTATGAAATATGAAGGATCTGATTTTCAGTGCAAAGT-3'
Protein context (NP_004320.2, residues 82-102): CFAIIEEDDQ[Gly92Glu]ETTLASGCMK